The following is an entry in ClinVar:

NM_003737.4(DCHS1):c.9448A>G (p.Ile3150Val)

Gene: DCHS1 (dachsous cadherin-related 1; minus strand). Cytogenetic location: 11p15.4.
Variant type: single nucleotide variant.
Coding change: c.9448A>G on transcript NM_003737.4 (MANE Select); coding-DNA position 9448, A replaced by G.
Protein change: p.Ile3150Val; replaces isoleucine 3150 with valine.
Molecular consequence: missense variant.
Genome position (GRCh38, 1-based): chr11:6,622,228, T>C on the plus strand (A>G on the coding strand, the complement: DCHS1 is on the minus strand). VCF-style: chr11-6622228-T-C. GRCh37 (hg19) VCF-style: chr11-6643459-T-C.
Other names: short protein forms I3150V.
Identifiers: ClinVar variation 1809976 (VCV001809976.5), dbSNP rs1253004897, ClinGen allele CA379478732.

ClinVar aggregate classification (germline): Uncertain significance. Review status: criteria provided, multiple submitters, no conflicts (2 of 4 stars). 2 submissions from 2 submitters: Uncertain significance (2). Last evaluated 2022-07-01.

Allele frequency attached by ClinVar (database versions not stated): TOPMed 0.00004; gnomAD exomes below 0.00001; gnomAD 0.00001.
gnomAD v4.1: 2 of 1,601,542 alleles (0.00012%); highest among the groups gnomAD compares: Admixed American, 0.0017%; no homozygotes.

Submissions (2):

GeneDx
Classification: Uncertain significance. Last evaluated: 2022-07-01. Review status: criteria provided, single submitter. Criteria: GeneDx Variant Classification Process June 2021. Collection method: clinical testing. Allele origin: germline. Affected: yes.
Comment: Not observed at significant frequency in large population cohorts (gnomAD); In silico analysis supports that this missense variant does not alter protein structure/function; Has not been previously published as pathogenic or benign to our knowledge

Labcorp Genetics (formerly Invitae), Labcorp
Classification: Uncertain significance. Last evaluated: 2022-05-08. Review status: criteria provided, single submitter. Criteria: Invitae Variant Classification Sherloc (09022015). Collection method: clinical testing. Allele origin: germline.
Comment: In summary, the available evidence is currently insufficient to determine the role of this variant in disease. Therefore, it has been classified as a Variant of Uncertain Significance. Advanced modeling of protein sequence and biophysical properties (such as structural, functional, and spatial information, amino acid conservation, physicochemical variation, residue mobility, and thermodynamic stability) performed at Invitae indicates that this missense variant is not expected to disrupt DCHS1 protein function. This variant has not been reported in the literature in individuals affected with DCHS1-related conditions. This variant is present in population databases (no rsID available, gnomAD 0.001%). This sequence change replaces isoleucine, which is neutral and non-polar, with valine, which is neutral and non-polar, at codon 3150 of the DCHS1 protein (p.Ile3150Val).